The following is an entry in ClinVar:

ClinVar aggregate classification (germline): Likely pathogenic (1 of 4 stars; one submission).

Conditions:
Nonsyndromic genetic hearing loss. Also called: Nonsyndromic hearing loss and deafness; Non-syndromic genetic deafness; Nonsyndromic genetic deafness. Identifiers: Orphanet 87884, MedGen C5680182, MONDO:0019497.

Allele frequency attached by ClinVar (database versions not stated): ExAC 0.00001; gnomAD 0.00001.
gnomAD v4.1: 4 of 1,613,764 alleles (0.00025%); highest among the groups gnomAD compares: Admixed American, 0.0017%; no homozygotes.

Submission:

Laboratory for Molecular Medicine, Mass General Brigham Personalized Medicine
Classification: Likely pathogenic for Nonsyndromic genetic hearing loss. Last evaluated: 2023-02-02. Review status: criteria provided, single submitter. Criteria: ACMG Guidelines, 2015. Collection method: clinical testing. Allele origin: germline.
Comment: The p.Arg394X in RDX has not been reported in individuals with nonsyndromic hearing loss. It has been identified in 0.001% (1/68012) of European chromosomes by gnomAD v. 3. This nonsense variant leads to a premature termination codon at position 394, which is predicted to lead to a truncated or absent protein. Loss of function of the RDX gene is an established disease mechanism in autosomal recessive nonsyndromic hearing loss. In summary, although additional studies are required to fully establish its clinical significance, this variant meets criteria to be classified as likely pathogenic for autosomal recessive nonsyndromic hearing loss. ACMG/AMP criteria applied: PVS1, PM2_Supporting.

NM_002906.4(RDX):c.1180C>T (p.Arg394Ter)

Gene: RDX (radixin; minus strand). Cytogenetic location: 11q22.3.
Variant type: single nucleotide variant.
Coding change: c.1180C>T on transcript NM_002906.4 (MANE Select); coding-DNA position 1180, C replaced by T.
Protein change: p.Arg394Ter; replaces arginine 394 with a stop codon.
Molecular consequence: nonsense. On other transcripts: intron variant (1).
Genome position (GRCh38, 1-based): chr11:110,237,563, G>A on the plus strand (C>T on the coding strand, the complement: RDX is on the minus strand). VCF-style: chr11-110237563-G-A. GRCh37 (hg19) VCF-style: chr11-110108288-G-A.
Other names: c.405-5559C>T (NM_001260496.2); c.1180C>T, p.Arg394Ter (NM_001260492.2, NM_001260493.2); c.772C>T, p.Arg258Ter (NM_001260494.2); c.139C>T, p.Arg47Ter (NM_001260495.2); short protein forms R258*, R394*, R47*.
Identifiers: ClinVar variation 3075934 (VCV003075934.1), dbSNP rs756407279, ClinGen allele CA6270070.